The following is an entry in ClinVar:

ClinVar aggregate classification (germline): Uncertain significance. Review status: reviewed by expert panel (3 of 4 stars). 3 submissions from 3 submitters: Uncertain significance (1). 2 of the submissions do not count toward it. Last evaluated 2025-01-09.

Conditions:
Creatine transporter deficiency (CCDS1). Also called: Mental retardation , X-linked with seizures, short stature and midface hypoplasia; Mental retardation , X-linked, with creatine transport deficiency; X-linked creatine transporter deficiency; X-linked creatine deficiency syndrome; SLC6A8-Related Creatine Transporter Deficiency; CREATINE TRANSPORTER DEFECT. Identifiers: Orphanet 52503, MedGen C1845862, MONDO:0010305, OMIM 300352.

Allele frequency attached by ClinVar (database versions not stated): gnomAD exomes below 0.00001.

Submissions (3):

ClinGen Cerebral Creatine Deficiency Syndromes Variant Curation Expert Panel, ClinGen
Classification: Uncertain significance for Creatine transporter deficiency. Last evaluated: 2025-01-09. Review status: reviewed by expert panel. Criteria: ClinGen_CCDS_ACMG_Specifications_SLC6A8_v1.1. Collection method: curation. Allele origin: germline. Inheritance: X-linked inheritance.
Comment: The NM_005629.4:c.1425C>T variant in SLC6A8 is a synonymous (silent) variant (p.Tyr475=). SpliceAI predicts no impact on splicing (score <0.1). Although the nucleotide is somewhat conserved (PhyloP score 1.482), recent guidance indicates that "conservation has limited predictive power to detect non-splice disrupting variants " (PMID: 37352859) (BP4, BP7). To our knowledge, this variant has not been reported in the literature and no functional studies are available. The highest population minor allele frequency in gnomAD v4.1.0. is 0.000001117 (1/895070 alleles; 0 homozygotes) in the European non-Finnish population. This is lower than the ClinGen CCDS VCEP's threshold for PM2_Supporting (<0.00002), meeting this criterion (PM2_Supporting). There is a ClinVar entry for this variant (Variation ID: 1336429). In summary, this variant meets criteria to be classified as a variant of uncertain significance for creatine transporter deficiency. SLC6A8-specific ACMG/AMP criteria applied, as specified by the ClinGen CCDS VCEP (Specifications Version 1.1.0): BP4, BP7, PM2_Supporting. (Classification approved by the ClinGen Cerebral Creatine Deficiencies Variant Curation Expert Panel, Jan 9, 2025)

Labcorp Genetics (formerly Invitae), Labcorp
Classification: Likely benign for Creatine transporter deficiency. Last evaluated: 2021-12-24. Review status: criteria provided, single submitter. Criteria: Invitae Variant Classification Sherloc (09022015). Collection method: clinical testing. Allele origin: germline. Not counted in ClinVar's aggregate classification.

Genetic Services Laboratory, University of Chicago
Classification: Uncertain significance. Last evaluated: 2017-12-13. Review status: criteria provided, single submitter. Criteria: ACMG Guidelines, 2015. Collection method: clinical testing. Allele origin: germline. Affected: no. Not counted in ClinVar's aggregate classification.

NM_005629.4(SLC6A8):c.1425C>T (p.Tyr475=)

Gene: SLC6A8 (solute carrier family 6 member 8; plus strand). Cytogenetic location: Xq28.
Variant type: single nucleotide variant.
Coding change: c.1425C>T on transcript NM_005629.4 (MANE Select); coding-DNA position 1425, C replaced by T.
Protein change: p.Tyr475=; no amino-acid change (tyrosine 475 retained).
Molecular consequence: synonymous variant.
Genome position (GRCh38, 1-based): chrX:153,694,376, C>T. VCF-style: chrX-153694376-C-T. GRCh37 (hg19) VCF-style: chrX-152959831-C-T.
Other names: NM_005629.4(SLC6A8):c.1425C>T; p.Tyr475=; c.1395C>T, p.Tyr465= (NM_001142805.2); c.1080C>T, p.Tyr360= (NM_001142806.1).
Identifiers: ClinVar variation 1336429 (VCV001336429.9), dbSNP rs2091475721, ClinGen allele CA519344994.